The following is an entry in ClinVar:

ClinVar aggregate classification (germline): Pathogenic (1 of 4 stars; one submission).

Conditions:
Primary ciliary dyskinesia 3. Identifiers: Orphanet 244, MedGen C1837618, MONDO:0012085, OMIM 608644.

Submission:

Myriad Genetics, Inc.
Classification: Pathogenic for Primary ciliary dyskinesia 3. Last evaluated: 2024-05-14. Review status: criteria provided, single submitter. Criteria: Myriad Autosomal Dominant, Autosomal Recessive and X-Linked Classification Criteria (2023). Collection method: clinical testing. Allele origin: unknown.
Comment: NM_001369.2(DNAH5):c.1253_1254ins10(S419Ifs*14) is expected to be pathogenic in the context of primary ciliary dyskinesia, DNAH5-related. This variant is predicted to lead to an abnormal or absent protein product due to the creation of a premature termination codon in DNAH5, a gene where loss-of-function variants are known to be pathogenic. Please note: this variant was assessed in the context of healthy population screening.

NM_001369.3(DNAH5):c.1253_1254insGATCACAGAT (p.Ser419fs)

Gene: DNAH5 (dynein axonemal heavy chain 5; minus strand). Cytogenetic location: 5p15.2.
Variant type: Insertion.
Coding change: c.1253_1254insGATCACAGAT on transcript NM_001369.3 (MANE Select); coding-DNA positions 1253 to 1254, GATCACAGAT inserted.
Protein change: p.Ser419fs; shifts the reading frame from serine 419.
Molecular consequence: frameshift variant.
Genome position: GRCh38 VCF-style: chr5-13914586-A-AATCTGTGATC. GRCh37 (hg19) VCF-style: chr5-13914695-A-AATCTGTGATC.
Other names: short protein forms S419fs.
Identifiers: ClinVar variation 5016431 (VCV005016431.1).
Genomic context (GRCh38, chr5:13,914,586, plus strand): 5'-CAGTTTAATCGCAGATAGTATTTTTTCTTCAACAACATCCTGTGGCTGGTTCCAGATGGA[A>AATCTGTGATC]GCGGTTCCATTATTGGTAATATAGGCTTTACATGCAGATATAATCTGATTTGTCACCTGG-3'